The following is an entry in ClinVar:

ClinVar aggregate classification (germline): Uncertain significance. Review status: criteria provided, multiple submitters, no conflicts (2 of 4 stars). 7 submissions from 6 submitters: Uncertain significance (6). 1 of the submissions does not count toward it. Last evaluated 2026-07-10.

Conditions:
Inborn genetic diseases. Identifiers: MedGen C0950123, MeSH D030342.
Usher syndrome type 1 (USH1). Also called: RETINITIS PIGMENTOSA AND CONGENITAL DEAFNESS. Identifiers: Orphanet 231169, Orphanet 886, MedGen C1568247, MONDO:0010168, OMIM 276900.
Usher syndrome type 1D (USH1D). Also called: USHER SYNDROME, TYPE ID. Identifiers: Orphanet 231169, Orphanet 886, MedGen C1832845, MONDO:0010984, OMIM 601067.
CDH23-related disorder. Also called: CDH23-related disorders; CDH23-related condition.
Autosomal recessive nonsyndromic hearing loss 12. Also called: DEAFNESS, AUTOSOMAL RECESSIVE 12. Identifiers: Orphanet 90636, MedGen C1832394, MONDO:0011067, OMIM 601386.

Allele frequency attached by ClinVar (database versions not stated): gnomAD exomes 0.00002; TOPMed 0.00002.
gnomAD v4.1: 9 of 1,603,940 alleles (0.00056%); highest among the groups gnomAD compares: East Asian, 0.0023%; no homozygotes.

Submissions (7):

PreventionGenetics, part of Exact Sciences
Classification: Uncertain significance for CDH23-related condition. Last evaluated: 2026-07-10. Review status: criteria provided, single submitter. Criteria: ACMG Guidelines, 2015. Collection method: clinical testing. Allele origin: germline.
Comment: The CDH23 c.806G>A variant is predicted to result in the amino acid substitution p.Arg269Gln. To our knowledge, this variant has not been reported in the literature. This variant is reported in 0.0073% of alleles in individuals of African descent in gnomAD. At this time, the clinical significance of this variant is uncertain due to the absence of conclusive functional and genetic evidence.

Labcorp Genetics (formerly Invitae), Labcorp
Classification: Uncertain significance. Last evaluated: 2025-04-07. Review status: criteria provided, single submitter. Criteria: Invitae Variant Classification Sherloc (09022015). Collection method: clinical testing. Allele origin: germline.
Comment: This sequence change replaces arginine, which is basic and polar, with glutamine, which is neutral and polar, at codon 269 of the CDH23 protein (p.Arg269Gln). The frequency data for this variant in the population databases is considered unreliable, as metrics indicate poor data quality at this position in the gnomAD database. This variant has not been reported in the literature in individuals affected with CDH23-related conditions. ClinVar contains an entry for this variant (Variation ID: 879005). Invitae Evidence Modeling of protein sequence and biophysical properties (such as structural, functional, and spatial information, amino acid conservation, physicochemical variation, residue mobility, and thermodynamic stability) has been performed for this missense variant. However, the output from this modeling did not meet the statistical confidence thresholds required to predict the impact of this variant on CDH23 protein function. This variant disrupts the p.Arg269 amino acid residue in CDH23. Other variant(s) that disrupt this residue have been determined to be pathogenic (PMID: 35020051, 35062939, 35248088). This suggests that this residue is clinically significant, and that variants that disrupt this residue are likely to be disease-causing. In summary, the available evidence is currently insufficient to determine the role of this variant in disease. Therefore, it has been classified as a Variant of Uncertain Significance.

GeneDx
Classification: Uncertain significance. Last evaluated: 2022-03-01. Review status: criteria provided, single submitter. Criteria: GeneDx Variant Classification Process June 2021. Collection method: clinical testing. Allele origin: germline. Affected: yes.
Comment: In silico analysis supports that this missense variant does not alter protein structure/function; Has not been previously published as pathogenic or benign to our knowledge

Ambry Genetics
Classification: Uncertain significance for Inborn genetic diseases. Last evaluated: 2021-09-16. Review status: criteria provided, single submitter. Criteria: Ambry Variant Classification Scheme 2023. Collection method: clinical testing. Allele origin: germline.

Illumina Laboratory Services, Illumina
Classification: Uncertain significance for Usher syndrome type 1D. Last evaluated: 2018-01-12. Review status: criteria provided, single submitter. Criteria: ICSL Variant Classification Criteria 13 December 2019. Collection method: clinical testing. Allele origin: germline.

Illumina Laboratory Services, Illumina
Classification: Uncertain significance for Autosomal recessive nonsyndromic hearing loss 12. Last evaluated: 2018-01-12. Review status: criteria provided, single submitter. Criteria: ICSL Variant Classification Criteria 13 December 2019. Collection method: clinical testing. Allele origin: germline.

Natera, Inc.
Classification: Uncertain significance for Usher syndrome type 1. Last evaluated: 2020-09-10. Review status: no assertion criteria provided. Collection method: clinical testing. Allele origin: germline. Not counted in ClinVar's aggregate classification.

Literature cited by the submitters: PubMed 35020051 (cited by Labcorp Genetics (formerly Invitae), Labcorp); PubMed 35062939 (cited by Labcorp Genetics (formerly Invitae), Labcorp); PubMed 35248088 (cited by Labcorp Genetics (formerly Invitae), Labcorp).

NM_022124.6(CDH23):c.806G>A (p.Arg269Gln)

Gene: CDH23 (cadherin related 23; plus strand). Cytogenetic location: 10q22.1.
Variant type: single nucleotide variant.
Coding change: c.806G>A on transcript NM_022124.6 (MANE Select); coding-DNA position 806, G replaced by A.
Protein change: p.Arg269Gln; replaces arginine 269 with glutamine.
Molecular consequence: missense variant.
Genome position (GRCh38, 1-based): chr10:71,577,966, G>A. VCF-style: chr10-71577966-G-A. GRCh37 (hg19) VCF-style: chr10-73337723-G-A.
Other names: c.806G>A, p.Arg269Gln (NM_001171930.2, NM_001171931.2, NM_001171932.2 and 1 more transcripts); short protein forms R269Q.
Identifiers: ClinVar variation 879005 (VCV000879005.13), dbSNP rs1235821368, ClinGen allele CA377116053.